The following is an entry in ClinVar:

ClinVar aggregate classification (germline): Uncertain significance (1 of 4 stars; one submission).

Conditions:
Werner syndrome (WRN). Identifiers: Orphanet 902, MedGen C0043119, MONDO:0010196, OMIM 277700.

Allele frequency attached by ClinVar (database versions not stated): gnomAD exomes below 0.00001; ExAC 0.00001.
gnomAD v4.1: 4 of 1,613,764 alleles (0.00025%); highest among the groups gnomAD compares: Non-Finnish European, 0.00034%; no homozygotes.

Submission:

Labcorp Genetics (formerly Invitae), Labcorp
Classification: Uncertain significance for Werner syndrome. Last evaluated: 2023-10-23. Review status: criteria provided, single submitter. Criteria: Invitae Variant Classification Sherloc (09022015). Collection method: clinical testing. Allele origin: germline.
Comment: This sequence change replaces serine, which is neutral and polar, with tyrosine, which is neutral and polar, at codon 1140 of the WRN protein (p.Ser1140Tyr). This variant is present in population databases (rs760280044, gnomAD 0.0009%). This variant has not been reported in the literature in individuals affected with WRN-related conditions. ClinVar contains an entry for this variant (Variation ID: 1040467). An algorithm developed to predict the effect of missense changes on protein structure and function (PolyPhen-2) suggests that this variant is likely to be tolerated. In summary, the available evidence is currently insufficient to determine the role of this variant in disease. Therefore, it has been classified as a Variant of Uncertain Significance.

NM_000553.6(WRN):c.3419C>A (p.Ser1140Tyr)

Gene: WRN (WRN RecQ like helicase; plus strand). Cytogenetic location: 8p12.
Variant type: single nucleotide variant.
Coding change: c.3419C>A on transcript NM_000553.6 (MANE Select); coding-DNA position 3419, C replaced by A.
Protein change: p.Ser1140Tyr; replaces serine 1140 with tyrosine.
Molecular consequence: missense variant.
Genome position (GRCh38, 1-based): chr8:31,147,088, C>A. VCF-style: chr8-31147088-C-A. GRCh37 (hg19) VCF-style: chr8-31004604-C-A.
Other names: short protein forms S1140Y.
Identifiers: ClinVar variation 1040467 (VCV001040467.5), dbSNP rs760280044, ClinGen allele CA4705057.